The following is an entry in ClinVar:

ClinVar aggregate classification (germline): Likely pathogenic (1 of 4 stars; one submission).

Conditions:
Rare genetic deafness. Identifiers: Orphanet 96210, MedGen C5680250.

Allele frequency attached by ClinVar (database versions not stated): gnomAD exomes 0.00001.
gnomAD v4.1: 3 of 1,609,142 alleles (0.00019%); highest among the groups gnomAD compares: Non-Finnish European, 0.00026%; no homozygotes.

Submission:

Laboratory for Molecular Medicine, Mass General Brigham Personalized Medicine
Classification: Likely pathogenic for Rare genetic deafness. Last evaluated: 2017-09-12. Review status: criteria provided, single submitter. Criteria: LMM Criteria. Collection method: clinical testing. Allele origin: germline. Inheritance: Autosomal recessive inheritance. Observed: 1 variant allele.
Comment: The c.2263-2A>C variant in MYO3A has not been previously reported in individuals with hearing loss or in large population studies. This variant occurs in the in variant region (+/- 1,2) of the splice consensus sequence and is predicted to ca use altered splicing leading to an abnormal or absent protein. Loss of MYO3A fun ction is a molecular mechanism for autosomal recessive hearing loss. In summary, although additional studies are required to fully establish its clinical signif icance, the c.2263-2A>C variant is likely pathogenic.

NM_017433.5(MYO3A):c.2263-2A>C

Gene: MYO3A (myosin IIIA; plus strand). Cytogenetic location: 10p12.1.
Variant type: single nucleotide variant.
Coding change: c.2263-2A>C on transcript NM_017433.5 (MANE Select); the canonical splice acceptor site of the intron before coding-DNA position 2263, A replaced by C.
Molecular consequence: splice acceptor variant.
Genome position (GRCh38, 1-based): chr10:26,143,446, A>C. VCF-style: chr10-26143446-A-C. GRCh37 (hg19) VCF-style: chr10-26432375-A-C.
Identifiers: ClinVar variation 517589 (VCV000517589.4), dbSNP rs1554833178, ClinGen allele CA376334256.
Genomic context (GRCh38, chr10:26,143,446, plus strand): 5'-TAGGTAATTACTATGAAGCTATATATTATTCACAGTTTTAAGTGGTTTTGTCTTTATTAT[A>C]GAATGAATACCTAAATGAAGATGTGGATGCTAGAGTTATTGAATATGAGGATAACTGGCC-3'